The following is an entry in ClinVar:

NM_003072.5(SMARCA4):c.702T>G (p.Pro234=)

Gene: SMARCA4 (SWI/SNF related BAF chromatin remodeling complex subunit ATPase 4; plus strand). Cytogenetic location: 19p13.2.
Variant type: single nucleotide variant.
Coding change: c.702T>G on transcript NM_003072.5 (MANE Select); coding-DNA position 702, T replaced by G.
Protein change: p.Pro234=; no amino-acid change (proline 234 retained).
Molecular consequence: synonymous variant. On other transcripts: non-coding transcript variant (1).
Genome position (GRCh38, 1-based): chr19:10,986,535, T>G. VCF-style: chr19-10986535-T-G. GRCh37 (hg19) VCF-style: chr19-11097211-T-G.
Other names: c.702T>G, p.Pro234= (NM_001128844.3, NM_001128845.2, NM_001128846.2 and 5 more transcripts).
Identifiers: ClinVar variation 415112 (VCV000415112.15), dbSNP rs1060504447, ClinGen allele CA16615863.
Genomic context (GRCh38, chr19:10,986,535, plus strand): 5'-GCAGCAGATGCCAACGCTACCTCCACCCTCGGTGTCCGCAACAGGACCCGGCCCTGGCCC[T>G]GGCCCTGGCCCCGGCCCGGGTCCCGGCCCGGCACCTCCAAATTACAGCAGGCCTCATGGT-3'
Protein context (NP_003063.2, residues 224-244): SVSATGPGPG[Pro234=]GPGPGPGPGP

ClinVar aggregate classification (germline): Benign/Likely benign. Review status: criteria provided, multiple submitters, no conflicts (2 of 4 stars). 3 submissions from 3 submitters: Benign (1); Likely benign (2). Last evaluated 2026-07-09.

Conditions:
Hereditary cancer-predisposing syndrome. Also called: Hereditary Cancer Syndrome; Hereditary neoplastic syndrome; Neoplastic Syndromes, Hereditary; Tumor predisposition. Identifiers: Orphanet 140162, MedGen C0027672, MeSH D009386, MONDO:0015356.
Rhabdoid tumor predisposition syndrome 2 (RTPS2). Identifiers: Orphanet 231108, Orphanet 69077, MedGen C2750074, MONDO:0013224, OMIM 613325.

Submissions (3):

Myriad Genetics, Inc.
Classification: Benign for Rhabdoid tumor predisposition syndrome 2. Last evaluated: 2026-07-09. Review status: criteria provided, single submitter. Criteria: Myriad Autosomal Dominant, Autosomal Recessive and X-Linked Classification Criteria (2023). Collection method: clinical testing. Allele origin: unknown.
Comment: This variant is considered benign. This variant is a silent/synonymous amino acid change and it is not expected to impact splicing.

Labcorp Genetics (formerly Invitae), Labcorp
Classification: Likely benign for Rhabdoid tumor predisposition syndrome 2. Last evaluated: 2024-12-23. Review status: criteria provided, single submitter. Criteria: Invitae Variant Classification Sherloc (09022015). Collection method: clinical testing. Allele origin: germline.

Ambry Genetics
Classification: Likely benign for Hereditary cancer-predisposing syndrome. Last evaluated: 2018-03-29. Review status: criteria provided, single submitter. Criteria: Ambry Variant Classification Scheme 2023. Collection method: clinical testing. Allele origin: germline.